The following is an entry in ClinVar:

ClinVar aggregate classification (germline): Uncertain significance (1 of 4 stars; one submission).

Conditions:
Leukodystrophy, hypomyelinating, 27 (HLD27). Identifiers: MedGen C5882743, MONDO:0958018, OMIM 620675.
Acrofacial dysostosis Cincinnati type. Identifiers: Orphanet 1200, MedGen C4225317, MONDO:0014651, OMIM 616462.

Submission:

Juno Genomics, Hangzhou Juno Genomics, Inc
Classification: Uncertain significance for Leukodystrophy, hypomyelinating, 27; Acrofacial dysostosis Cincinnati type. Review status: criteria provided, single submitter. Criteria: ACMG Guidelines, 2015. Collection method: clinical testing. Allele origin: germline.
Comment: Absent from controls (or at extremely low frequency if recessive) in Genome Aggregation Database.;Null variant in a gene where loss of function (LOF) is a known mechanism of disease.

NM_015425.6(POLR1A):c.3981_3983del (p.Tyr1327_Gln1328delinsTer)

Gene: POLR1A (RNA polymerase I subunit A; minus strand). Cytogenetic location: 2p11.2.
Variant type: Deletion.
Coding change: c.3981_3983del on transcript NM_015425.6 (MANE Select); coding-DNA positions 3981 to 3983, 3 bases deleted (CCA; older notation c.3981_3983delCCA).
Protein change: p.Tyr1327_Gln1328delinsTer.
Molecular consequence: nonsense.
Genome position (GRCh38, 1-based): chr2:86,038,751-86,038,753, TGG deleted on the plus strand (CCA on the coding strand, the reverse complement: POLR1A is on the minus strand); deleting any 3 consecutive bases within chr2:86,038,751-86,038,754 gives the same sequence; the c. name uses the placement nearest the transcript's 3' end. VCF-style (leftmost placement, unchanged base first): chr2-86038750-CTGG-C. GRCh37 (hg19) VCF-style: chr2-86265873-CTGG-C.
Identifiers: ClinVar variation 5018758 (VCV005018758.2).